The following is an entry in ClinVar:

NM_005612.5(REST):c.385G>A (p.Gly129Ser)

Gene: REST (RE1 silencing transcription factor; plus strand). Cytogenetic location: 4q12.
Variant type: single nucleotide variant.
Coding change: c.385G>A on transcript NM_005612.5 (MANE Select); coding-DNA position 385, G replaced by A.
Protein change: p.Gly129Ser; replaces glycine 129 with serine.
Molecular consequence: missense variant.
Genome position (GRCh38, 1-based): chr4:56,911,023, G>A. VCF-style: chr4-56911023-G-A. GRCh37 (hg19) VCF-style: chr4-57777189-G-A.
Other names: c.385G>A, p.Gly129Ser (NM_001193508.2, NM_001363453.3); short protein forms G129S.
Identifiers: ClinVar variation 3025396 (VCV003025396.22), dbSNP rs1719878719, ClinGen allele CA357003687.

ClinVar aggregate classification (germline): Likely benign (1 of 4 stars; one submission).

Submission:

CeGaT Center for Human Genetics Tuebingen
Classification: Likely benign. Last evaluated: 2024-02-01. Review status: criteria provided, single submitter. Criteria: CeGaT Center For Human Genetics Tuebingen Variant Classification Criteria Version 2. Collection method: clinical testing. Allele origin: germline. Affected: yes. Observed: 1 variant allele.
Comment: REST: BP4